The following is an entry in ClinVar:

NM_001035.3(RYR2):c.3829A>G (p.Ile1277Val)

Genes: RYR2 (ryanodine receptor 2; plus strand), LOC126806067 (BRD4-independent group 4 enhancer GRCh37_chr1:237753258-237754457; plus strand). Cytogenetic location: 1q43.
Variant type: single nucleotide variant.
Coding change: c.3829A>G on transcript NM_001035.3 (MANE Select); coding-DNA position 3829, A replaced by G.
Protein change: p.Ile1277Val; replaces isoleucine 1277 with valine.
Molecular consequence: missense variant.
Genome position (GRCh38, 1-based): chr1:237,590,661, A>G. VCF-style: chr1-237590661-A-G. GRCh37 (hg19) VCF-style: chr1-237753961-A-G.
Other names: short protein forms I1277V.
Identifiers: ClinVar variation 3385717 (VCV003385717.2).
Genomic context (GRCh38, chr1:237,590,661, plus strand): 5'-GGTGATTGGAATGTGAACTATCGCTTCTTCGTTTGCTAGGTGACCAGAATAGACGGCACC[A>G]TAGACAGTTCCCCATGTTTAAAGGTCACTCAGAAGTCTTTTGGTTCTCAGAACAGCAACA-3'
Protein context (NP_001026.2, residues 1267-1287): HIEVTRIDGT[Ile1277Val]DSSPCLKVTQ

ClinVar aggregate classification (germline): Uncertain significance. Review status: criteria provided, multiple submitters, no conflicts (2 of 4 stars). 2 submissions from 2 submitters: Uncertain significance (2). Last evaluated 2025-06-10.

Conditions:
Catecholaminergic polymorphic ventricular tachycardia (CVPT). Also called: Catecholamine-induced polymorphic ventricular tachycardia. Identifiers: Orphanet 3286, MedGen C5574922, MONDO:0017990.
Catecholaminergic polymorphic ventricular tachycardia 1. Also called: VENTRICULAR TACHYCARDIA, CATECHOLAMINERGIC POLYMORPHIC, 1, WITH OR WITHOUT ATRIAL DYSFUNCTION AND/OR DILATED CARDIOMYOPATHY; VENTRICULAR TACHYCARDIA, STRESS-INDUCED POLYMORPHIC 1; RYR2-Related Catecholaminergic Polymorphic Ventricular Tachycardia. Identifiers: Orphanet 3286, MedGen C1631597, MONDO:0011484, OMIM 604772.

gnomAD v4.1: 7 of 1,555,038 alleles (0.00045%); highest among the groups gnomAD compares: Admixed American, 0.0019%; no homozygotes.

Submissions (2):

Labcorp Genetics (formerly Invitae), Labcorp
Classification: Uncertain significance for Catecholaminergic polymorphic ventricular tachycardia 1. Last evaluated: 2025-06-10. Review status: criteria provided, single submitter. Criteria: Invitae Variant Classification Sherloc (09022015). Collection method: clinical testing. Allele origin: germline.
Comment: This sequence change replaces isoleucine, which is neutral and non-polar, with valine, which is neutral and non-polar, at codon 1277 of the RYR2 protein (p.Ile1277Val). This variant is present in population databases (rs766263658, gnomAD 0.009%). This variant has not been reported in the literature in individuals affected with RYR2-related conditions. ClinVar contains an entry for this variant (Variation ID: 3385717). Invitae Evidence Modeling of protein sequence and biophysical properties (such as structural, functional, and spatial information, amino acid conservation, physicochemical variation, residue mobility, and thermodynamic stability) indicates that this missense variant is not expected to disrupt RYR2 protein function with a negative predictive value of 95%. In summary, the available evidence is currently insufficient to determine the role of this variant in disease. Therefore, it has been classified as a Variant of Uncertain Significance.

All of Us Research Program, National Institutes of Health
Classification: Uncertain significance for Catecholaminergic polymorphic ventricular tachycardia. Last evaluated: 2024-08-30. Review status: criteria provided, single submitter. Criteria: ACMG Guidelines, 2015. Collection method: clinical testing. Allele origin: germline. Inheritance: Autosomal dominant inheritance. Observed: 3 variant alleles, 3 heterozygotes.
Comment: This missense variant replaces isoleucine with valine at codon 1277 of the RYR2 protein. Computational prediction suggests that this variant may not impact protein structure and function (internally defined REVEL score threshold <= 0.5, PMID: 27666373). To our knowledge, functional studies have not been reported for this variant. This variant has not been reported in individuals affected with RYR2-related disorders in the literature. This variant has been identified in 2/236138 chromosomes in the general population by the Genome Aggregation Database (gnomAD). The available evidence is insufficient to determine the role of this variant in disease conclusively. Therefore, this variant is classified as a Variant of Uncertain Significance.

This study involves interpretation of variants in research participants for the purpose of population health screening. Participant phenotype was not available at the time of variant classification. Additional details can be found in publication PMID: 35346344, PMCID: PMC8962531